The following is an entry in ClinVar:

ClinVar aggregate classification (germline): Pathogenic (1 of 4 stars; one submission).

Submission:

Labcorp Genetics (formerly Invitae), Labcorp
Classification: Pathogenic. Last evaluated: 2021-04-05. Review status: criteria provided, single submitter. Criteria: Invitae Variant Classification Sherloc (09022015). Collection method: clinical testing. Allele origin: germline.
Comment: This sequence change creates a premature translational stop signal (p.Lys252*) in the FAM161A gene. It is expected to result in an absent or disrupted protein product. Loss-of-function variants in FAM161A are known to be pathogenic (PMID: 20705278, 20705279, 24651477). This variant is not present in population databases (ExAC no frequency). This variant has not been reported in the literature in individuals with FAM161A-related conditions. For these reasons, this variant has been classified as Pathogenic.

Literature cited by the submitters: PubMed 20705278; PubMed 20705279; PubMed 24651477.

NM_001201543.2(FAM161A):c.754A>T (p.Lys252Ter)

Gene: FAM161A (FAM161 centrosomal protein A; minus strand). Cytogenetic location: 2p15.
Variant type: single nucleotide variant.
Coding change: c.754A>T on transcript NM_001201543.2 (MANE Select); coding-DNA position 754, A replaced by T.
Protein change: p.Lys252Ter; replaces lysine 252 with a stop codon.
Molecular consequence: nonsense. On other transcripts: non-coding transcript variant (1).
Genome position (GRCh38, 1-based): chr2:61,840,250, T>A on the plus strand (A>T on the coding strand, the complement: FAM161A is on the minus strand). VCF-style: chr2-61840250-T-A. GRCh37 (hg19) VCF-style: chr2-62067385-T-A.
Other names: c.754A>T, p.Lys252Ter (NM_032180.3); short protein forms K252*.
Identifiers: ClinVar variation 1451752 (VCV001451752.6), dbSNP rs2105082909, ClinGen allele CA346988410.